The following is an entry in ClinVar:

ClinVar aggregate classification (germline): Likely benign (1 of 4 stars; one submission).

Allele frequency attached by ClinVar (database versions not stated): gnomAD 0.00001; gnomAD exomes 0.00001.
gnomAD v4.1: 10 of 1,596,982 alleles (0.00063%); highest among the groups gnomAD compares: Non-Finnish European, 0.00086%; no homozygotes.

Submission:

Laboratory for Molecular Medicine, Mass General Brigham Personalized Medicine
Classification: Likely benign. Last evaluated: 2018-01-25. Review status: criteria provided, single submitter. Criteria: LMM Criteria. Collection method: clinical testing. Allele origin: germline. Observed: 1 variant allele.
Comment: p.Leu436Leu in exon 14 of RIPOR2: This variant is not expected to have clinical significance because it does not alter an amino acid residue and is not located within the splice consensus sequence. This variant has been identified in 2/1083 10 European chromosomes by the Genome Aggregation Database (gnomAD). ACMG/AMP Criteria applied: BP4; BP7.

NM_001286445.3(RIPOR2):c.1245G>T (p.Leu415=)

Gene: RIPOR2 (RHO family interacting cell polarization regulator 2; minus strand). Cytogenetic location: 6p22.3.
Variant type: single nucleotide variant.
Coding change: c.1245G>T on transcript NM_001286445.3 (MANE Select); coding-DNA position 1245, G replaced by T.
Protein change: p.Leu415=; no amino-acid change (leucine 415 retained).
Molecular consequence: synonymous variant.
Genome position (GRCh38, 1-based): chr6:24,843,474, C>A on the plus strand (G>T on the coding strand, the complement: RIPOR2 is on the minus strand). VCF-style: chr6-24843474-C-A. GRCh37 (hg19) VCF-style: chr6-24843702-C-A.
Other names: c.1260G>T, p.Leu420= (NM_001286446.3); c.1158G>T, p.Leu386= (NM_001286447.2, NM_001346031.2, NM_001346032.2 and 1 more transcripts); c.1308G>T, p.Leu436= (NM_014722.5).
Identifiers: ClinVar variation 506262 (VCV000506262.5), dbSNP rs1406684216, ClinGen allele CA362994725.